The following is an entry in ClinVar:

ClinVar aggregate classification (germline): Uncertain significance (1 of 4 stars; one submission).

Submission:

GeneDx
Classification: Uncertain significance. Last evaluated: 2019-01-14. Review status: criteria provided, single submitter. Criteria: GeneDx Variant Classification Process June 2021. Collection method: clinical testing. Allele origin: germline. Affected: yes.
Comment: Not observed in large population cohorts (Lek et al., 2016); In silico analysis, which includes protein predictors and evolutionary conservation, supports a deleterious effect; Has not been previously published as pathogenic or benign to our knowledge

NM_004733.4(SLC33A1):c.619A>G (p.Arg207Gly)

Gene: SLC33A1 (solute carrier family 33 member 1; minus strand). Cytogenetic location: 3q25.31.
Variant type: single nucleotide variant.
Coding change: c.619A>G on transcript NM_004733.4 (MANE Select); coding-DNA position 619, A replaced by G.
Protein change: p.Arg207Gly; replaces arginine 207 with glycine.
Molecular consequence: missense variant.
Genome position (GRCh38, 1-based): chr3:155,853,379, T>C on the plus strand (A>G on the coding strand, the complement: SLC33A1 is on the minus strand). VCF-style: chr3-155853379-T-C. GRCh37 (hg19) VCF-style: chr3-155571168-T-C.
Other names: c.619A>G, p.Arg207Gly (NM_001190992.2, NM_001363883.1); short protein forms R207G.
Identifiers: ClinVar variation 1304005 (VCV001304005.2), dbSNP rs2108016516, ClinGen allele CA355143219.